The following is an entry in ClinVar:

ClinVar aggregate classification (germline): Likely benign. Review status: criteria provided, single submitter (1 of 4 stars). 2 submissions from 2 submitters: Likely benign (1). 1 of the submissions does not count toward it. Last evaluated 2024-03-26.

Conditions:
PIGN-related disorder. Also called: PIGN-related condition.
Multiple congenital anomalies-hypotonia-seizures syndrome 1 (MCAHS1). Also called: PIGN-CDG; Congenital disorder of glycosylation due to PIGN deficiency; GLYCOSYLPHOSPHATIDYLINOSITOL BIOSYNTHESIS DEFECT 3. Identifiers: Orphanet 280633, MedGen C3279775, MONDO:0013563, OMIM 614080.

Allele frequency attached by ClinVar (database versions not stated): TOPMed below 0.00001.
gnomAD v4.1: 1 of 1,610,240 alleles (0.000062%); highest among the groups gnomAD compares: African/African-American, 0.0013%; no homozygotes.

Submissions (2):

Labcorp Genetics (formerly Invitae), Labcorp
Classification: Likely benign for Multiple congenital anomalies-hypotonia-seizures syndrome 1. Last evaluated: 2024-03-26. Review status: criteria provided, single submitter. Criteria: Invitae Variant Classification Sherloc (09022015). Collection method: clinical testing. Allele origin: germline.

PreventionGenetics, part of Exact Sciences
Classification: Likely benign for PIGN-related condition. Last evaluated: 2023-08-30. Review status: no assertion criteria provided. Collection method: clinical testing. Allele origin: germline. Not counted in ClinVar's aggregate classification.
Comment: This variant is classified as likely benign based on ACMG/AMP sequence variant interpretation guidelines (Richards et al. 2015 PMID: 25741868, with internal and published modifications).

NM_176787.5(PIGN):c.399A>T (p.Thr133=)

Gene: PIGN (phosphatidylinositol glycan anchor biosynthesis class N; minus strand). Cytogenetic location: 18q21.33.
Variant type: single nucleotide variant.
Coding change: c.399A>T on transcript NM_176787.5 (MANE Select); coding-DNA position 399, A replaced by T.
Protein change: p.Thr133=; no amino-acid change (threonine 133 retained).
Molecular consequence: synonymous variant.
Genome position (GRCh38, 1-based): chr18:62,157,172, T>A on the plus strand (A>T on the coding strand, the complement: PIGN is on the minus strand). VCF-style: chr18-62157172-T-A. GRCh37 (hg19) VCF-style: chr18-59824405-T-A.
Other names: c.399A>T, p.Thr133= (NM_012327.6).
Identifiers: ClinVar variation 3061574 (VCV003061574.3), dbSNP rs1236278615, ClinGen allele CA504068452.
Genomic context (GRCh38, chr18:62,157,172, plus strand): 5'-TAATCAGTGACTCTTACCTTTGGCAAACATAGGCAGGATATCTGGGCTTCCCCAGCTCCA[T>A]GTGTATTTACTTTCATTAAAAAGAGAATCAAACTCTACAGGATTTTCCTTCCATCCTTCA-3'
Protein context (NP_789744.1, residues 123-143): FDSLFNESKY[Thr133=]WSWGSPDILP